The following is an entry in ClinVar:

NM_001165963.4(SCN1A):c.4582-4A>C

Genes: SCN1A (sodium voltage-gated channel alpha subunit 1; minus strand), LOC102724058 (uncharacterized LOC102724058; plus strand). Cytogenetic location: 2q24.3.
Variant type: single nucleotide variant.
Coding change: c.4582-4A>C on transcript NM_001165963.4 (MANE Select); 4 bases into the intron before coding-DNA position 4582, A replaced by C.
Molecular consequence: intron variant.
Genome position (GRCh38, 1-based): chr2:165,994,420, T>G on the plus strand (A>C on the coding strand, the complement: SCN1A is on the minus strand). VCF-style: chr2-165994420-T-G. GRCh37 (hg19) VCF-style: chr2-166850930-T-G.
Other names: c.4549-4A>C (NM_001353949.2, NM_001353950.2, NM_001353951.2 and 2 more transcripts); c.4498-4A>C (NM_001353958.2, NM_001353957.2, NM_001165964.3); c.4582-4A>C (NM_001202435.3, NM_001353948.2); c.4546-4A>C (NM_001353955.2, NM_001353954.2); c.4495-4A>C (NM_001353960.2); c.2140-4A>C (NM_001353961.2).
Identifiers: ClinVar variation 383629 (VCV000383629.1), dbSNP rs1057521695, ClinGen allele CA16603929.

ClinVar aggregate classification (germline): Likely benign (1 of 4 stars; one submission).

Submission:

GeneDx
Classification: Likely benign. Last evaluated: 2016-02-16. Review status: criteria provided, single submitter. Criteria: GeneDx Variant Classification (06012015). Collection method: clinical testing. Allele origin: germline. Affected: yes.
Comment: This variant is considered likely benign or benign based on one or more of the following criteria: it is a conservative change, it occurs at a poorly conserved position in the protein, it is predicted to be benign by multiple in silico algorithms, and/or has population frequency not consistent with disease.